The following is an entry in ClinVar:

ClinVar aggregate classification (germline): Uncertain significance (1 of 4 stars; one submission).

Conditions:
Developmental and epileptic encephalopathy, 69. Also called: EPILEPTIC ENCEPHALOPATHY, EARLY INFANTILE, 69. Identifiers: MedGen C4748988, MONDO:0032657, OMIM 618285.

Submission:

Institute of Human Genetics, University of Leipzig Medical Center
Classification: Uncertain significance for Developmental and epileptic encephalopathy, 69. Last evaluated: 2026-04-21. Review status: criteria provided, single submitter. Criteria: ACMG Guidelines, 2015. Collection method: clinical testing. Allele origin: de novo. Inheritance: Autosomal dominant inheritance. Affected: yes.
Comment: Criteria applied: PM2,PP3,PS2_MOD

NM_001205293.3(CACNA1E):c.4882-104G>A

Gene: CACNA1E (calcium voltage-gated channel subunit alpha1 E; plus strand). Cytogenetic location: 1q25.3.
Variant type: single nucleotide variant.
Coding change: c.4882-104G>A on transcript NM_001205293.3 (MANE Select); 104 bases into the intron before coding-DNA position 4882, G replaced by A.
Molecular consequence: intron variant.
Genome position (GRCh38, 1-based): chr1:181,771,189, G>A. VCF-style: chr1-181771189-G-A. GRCh37 (hg19) VCF-style: chr1-181740325-G-A.
Other names: c.4882-104G>A (NM_000721.4); c.4825-104G>A (NM_001205294.2).
Identifiers: ClinVar variation 4857413 (VCV004857413.1).